The following is an entry in ClinVar:

NM_001458.5(FLNC):c.4016C>T (p.Pro1339Leu)

Gene: FLNC (filamin C; plus strand). Cytogenetic location: 7q32.1.
Variant type: single nucleotide variant.
Coding change: c.4016C>T on transcript NM_001458.5 (MANE Select); coding-DNA position 4016, C replaced by T.
Protein change: p.Pro1339Leu; replaces proline 1339 with leucine.
Molecular consequence: missense variant.
Genome position (GRCh38, 1-based): chr7:128,846,352, C>T. VCF-style: chr7-128846352-C-T. GRCh37 (hg19) VCF-style: chr7-128486406-C-T.
Other names: c.4016C>T, p.Pro1339Leu (NM_001127487.2); short protein forms P1339L.
Identifiers: ClinVar variation 1420136 (VCV001420136.6), dbSNP rs1808566825, ClinGen allele CA369198950.
Genomic context (GRCh38, chr7:128,846,352, plus strand): 5'-GGCTTCCAGGCGTGCATCTGGTGGAGGTCCTGTATGATGAGGTCGCTGTGCCCAAGAGCC[C>T]CTTCCGAGTGGGCGTGACCGAGGGCTGTGATCCCACCCGCGTCCGAGCCTTCGGGCCAGG-3'
Protein context (NP_001449.3, residues 1329-1349): LYDEVAVPKS[Pro1339Leu]FRVGVTEGCD

ClinVar aggregate classification (germline): Uncertain significance (1 of 4 stars; one submission).

Conditions:
Myofibrillar myopathy 5. Also called: FILAMINOPATHY, AUTOSOMAL DOMINANT; Filaminopathy (type). Identifiers: Orphanet 171445, MedGen C1836050, MONDO:0012289, OMIM 609524.
Distal myopathy with posterior leg and anterior hand involvement. Also called: WILLIAMS DISTAL MYOPATHY. Identifiers: Orphanet 63273, MedGen C3279722, MONDO:0013550, OMIM 614065.
Hypertrophic cardiomyopathy 26. Also called: Cardiomyopathy, familial hypertrophic, 26. Identifiers: Orphanet 75249, MedGen C4310749, MONDO:0014883, OMIM 617047.

Allele frequency attached by ClinVar (database versions not stated): gnomAD exomes 0.00001.
gnomAD v4.1: 4 of 1,613,650 alleles (0.00025%); highest among the groups gnomAD compares: East Asian, 0.0067%; no homozygotes.

Submission:

Labcorp Genetics (formerly Invitae), Labcorp
Classification: Uncertain significance for Distal myopathy with posterior leg and anterior hand involvement; Myofibrillar myopathy 5; Hypertrophic cardiomyopathy 26. Last evaluated: 2021-11-23. Review status: criteria provided, single submitter. Criteria: Invitae Variant Classification Sherloc (09022015). Collection method: clinical testing. Allele origin: germline.
Comment: In summary, the available evidence is currently insufficient to determine the role of this variant in disease. Therefore, it has been classified as a Variant of Uncertain Significance. Algorithms developed to predict the effect of missense changes on protein structure and function are either unavailable or do not agree on the potential impact of this missense change (SIFT: "Tolerated"; PolyPhen-2: "Probably Damaging"; Align-GVGD: "Class C0"). This variant has not been reported in the literature in individuals affected with FLNC-related conditions. This variant is not present in population databases (gnomAD no frequency). This sequence change replaces proline, which is neutral and non-polar, with leucine, which is neutral and non-polar, at codon 1339 of the FLNC protein (p.Pro1339Leu).